The following is an entry in ClinVar:

ClinVar aggregate classification (germline): Uncertain significance. Review status: criteria provided, multiple submitters, no conflicts (2 of 4 stars). 2 submissions from 2 submitters: Uncertain significance (2). Last evaluated 2025-08-18.

Conditions:
Hereditary breast ovarian cancer syndrome. Also called: Hereditary breast and/or ovarian cancer syndrome; Hereditary breast and ovarian cancer; Breast and ovarian cancer; Hereditary breast and ovarian cancer syndrome; Hereditary breast and ovarian cancer syndrome (HBOC); BRCA1- and BRCA2-Associated Hereditary Breast and Ovarian Cancer. Identifiers: Orphanet 145, MedGen C0677776, MeSH D061325, MONDO:0003582. Disease mechanism: loss of function.

Submissions (2):

Labcorp Genetics (formerly Invitae), Labcorp
Classification: Uncertain significance for Hereditary breast ovarian cancer syndrome. Last evaluated: 2025-08-18. Review status: criteria provided, single submitter. Criteria: Invitae Variant Classification Sherloc (09022015). Collection method: clinical testing. Allele origin: germline.
Comment: This sequence change replaces histidine, which is basic and polar, with tyrosine, which is neutral and polar, at codon 1561 of the BRCA2 protein (p.His1561Tyr). This variant is not present in population databases (gnomAD no frequency). This variant has not been reported in the literature in individuals affected with BRCA2-related conditions. ClinVar contains an entry for this variant (Variation ID: 2579342). Invitae Evidence Modeling of protein sequence and biophysical properties (such as structural, functional, and spatial information, amino acid conservation, physicochemical variation, residue mobility, and thermodynamic stability) indicates that this missense variant is not expected to disrupt BRCA2 protein function with a negative predictive value of 95%. In summary, the available evidence is currently insufficient to determine the role of this variant in disease. Therefore, it has been classified as a Variant of Uncertain Significance.

GeneDx
Classification: Uncertain significance. Last evaluated: 2023-03-06. Review status: criteria provided, single submitter. Criteria: GeneDx Variant Classification Process June 2021. Collection method: clinical testing. Allele origin: germline. Affected: yes.
Comment: Not observed at significant frequency in large population cohorts (gnomAD); In silico analysis supports that this missense variant has a deleterious effect on protein structure/function; Has not been previously published as pathogenic or benign to our knowledge; Also known as 4909C>T

NM_000059.4(BRCA2):c.4681C>T (p.His1561Tyr)

Gene: BRCA2 (BRCA2 DNA repair associated; plus strand). Cytogenetic location: 13q13.1.
Variant type: single nucleotide variant.
Coding change: c.4681C>T on transcript NM_000059.4 (MANE Select); coding-DNA position 4681, C replaced by T.
Protein change: p.His1561Tyr; replaces histidine 1561 with tyrosine.
Molecular consequence: missense variant. On other transcripts: non-coding transcript variant (1), intron variant (2).
Genome position (GRCh38, 1-based): chr13:32,339,036, C>T. VCF-style: chr13-32339036-C-T. GRCh37 (hg19) VCF-style: chr13-32913173-C-T.
Other names: c.4681C>T, p.His1561Tyr (NM_001406719.1, NM_001406720.1); c.1910-5522C>T (NM_001406721.1); c.425-5522C>T (NM_001406722.1); short protein forms H1561Y.
Identifiers: ClinVar variation 2579342 (VCV002579342.4), dbSNP rs2219594, ClinGen allele CA387782820.
Genomic context (GRCh38, chr13:32,339,036, plus strand): 5'-AAAGTGAAAAACCTTTTTGATGAAAAAGAGCAAGGTACTAGTGAAATCACCAGTTTTAGC[C>T]ATCAATGGGCAAAGACCCTAAAGTACAGAGAGGCCTGTAAAGACCTTGAATTAGCATGTG-3'
Protein context (NP_000050.3, residues 1551-1571): QGTSEITSFS[His1561Tyr]QWAKTLKYRE